The following is an entry in ClinVar:

NM_004415.4(DSP):c.1903+5G>T

Gene: DSP (desmoplakin; plus strand). Cytogenetic location: 6p24.3.
Variant type: single nucleotide variant.
Coding change: c.1903+5G>T on transcript NM_004415.4 (MANE Select); 5 bases into the intron after coding-DNA position 1903, G replaced by T.
Molecular consequence: intron variant.
Genome position (GRCh38, 1-based): chr6:7,571,589, G>T. VCF-style: chr6-7571589-G-T. GRCh37 (hg19) VCF-style: chr6-7571822-G-T.
Other names: c.1903+5G>T (NM_004415.3, NM_001319034.2, NM_001008844.3).
Identifiers: ClinVar variation 3755132 (VCV003755132.3).

ClinVar aggregate classification (germline): Conflicting classifications of pathogenicity. Review status: criteria provided, conflicting classifications (1 of 4 stars). 2 submissions from 2 submitters: Likely pathogenic (1); Uncertain significance (1). Last evaluated 2024-12-22.

Conditions:
Arrhythmogenic right ventricular dysplasia 8 (ARVD8). Also called: Arrhythmogenic Right Ventricular Dysplasia/Cardiomyopathy 8; ARRHYTHMOGENIC RIGHT VENTRICULAR DYSPLASIA, FAMILIAL, 8; ARRHYTHMOGENIC RIGHT VENTRICULAR CARDIOMYOPATHY 8. Identifiers: MedGen C1843896, MONDO:0011831, OMIM 607450.
Arrhythmogenic cardiomyopathy with wooly hair and keratoderma. Also called: PALMOPLANTAR KERATODERMA WITH LEFT VENTRICULAR CARDIOMYOPATHY AND WOOLLY HAIR; Carvajal syndrome; Dilated cardiomyopathy with woolly hair and keratoderma; Arrhythmogenic cardiomyopathy with woolly hair and keratoderma. Identifiers: Orphanet 65282, MedGen C1854063, MONDO:0011581, OMIM 605676.
Cardiovascular phenotype. Identifiers: MedGen CN230736.

Submissions (2):

Labcorp Genetics (formerly Invitae), Labcorp
Classification: Uncertain significance for Arrhythmogenic cardiomyopathy with wooly hair and keratoderma; Arrhythmogenic right ventricular dysplasia 8. Last evaluated: 2024-12-22. Review status: criteria provided, single submitter. Criteria: Invitae Variant Classification Sherloc (09022015). Collection method: clinical testing. Allele origin: germline.
Comment: This sequence change falls in intron 14 of the DSP gene. It does not directly change the encoded amino acid sequence of the DSP protein. It affects a nucleotide within the consensus splice site. This variant is not present in population databases (gnomAD no frequency). This variant has not been reported in the literature in individuals affected with DSP-related conditions. Variants that disrupt the consensus splice site are a relatively common cause of aberrant splicing (PMID: 17576681, 9536098). Algorithms developed to predict the effect of sequence changes on RNA splicing suggest that this variant may disrupt the consensus splice site. In summary, the available evidence is currently insufficient to determine the role of this variant in disease. Therefore, it has been classified as a Variant of Uncertain Significance.

Molecular Diagnostic Laboratory for Inherited Cardiovascular Disease, Montreal Heart Institute
Classification: Likely pathogenic for Cardiovascular phenotype. Last evaluated: 2022-03-29. Review status: criteria provided, single submitter. Criteria: ACMG Guidelines, 2015. Collection method: clinical testing. Allele origin: germline. Affected: yes.

Literature cited by the submitters: PubMed 17576681 (cited by Labcorp Genetics (formerly Invitae), Labcorp); PubMed 9536098 (cited by Labcorp Genetics (formerly Invitae), Labcorp).